The following is an entry in ClinVar:

NM_003482.4(KMT2D):c.13484T>C (p.Leu4495Pro)

Gene: KMT2D (lysine methyltransferase 2D; minus strand). Cytogenetic location: 12q13.12.
Variant type: single nucleotide variant.
Coding change: c.13484T>C on transcript NM_003482.4 (MANE Select); coding-DNA position 13484, T replaced by C.
Protein change: p.Leu4495Pro; replaces leucine 4495 with proline.
Molecular consequence: missense variant.
Genome position (GRCh38, 1-based): chr12:49,031,221, A>G on the plus strand (T>C on the coding strand, the complement: KMT2D is on the minus strand). VCF-style: chr12-49031221-A-G. GRCh37 (hg19) VCF-style: chr12-49425004-A-G.
Other names: short protein forms L4495P.
Identifiers: ClinVar variation 2005026 (VCV002005026.4), dbSNP rs2498349822, ClinGen allele CA384704082.

ClinVar aggregate classification (germline): Uncertain significance (1 of 4 stars; one submission).

Conditions:
Kabuki syndrome. Also called: NIIKAWA-KUROKI SYNDROME; Kabuki make-up syndrome. Identifiers: Orphanet 2322, MedGen C0796004, MONDO:0016512.

Submission:

Labcorp Genetics (formerly Invitae), Labcorp
Classification: Uncertain significance for Kabuki syndrome. Last evaluated: 2022-10-18. Review status: criteria provided, single submitter. Criteria: Invitae Variant Classification Sherloc (09022015). Collection method: clinical testing. Allele origin: germline.
Comment: In summary, the available evidence is currently insufficient to determine the role of this variant in disease. Therefore, it has been classified as a Variant of Uncertain Significance. Advanced modeling of protein sequence and biophysical properties (such as structural, functional, and spatial information, amino acid conservation, physicochemical variation, residue mobility, and thermodynamic stability) performed at Invitae indicates that this missense variant is expected to disrupt KMT2D protein function. This variant has not been reported in the literature in individuals affected with KMT2D-related conditions. This variant is not present in population databases (gnomAD no frequency). This sequence change replaces leucine, which is neutral and non-polar, with proline, which is neutral and non-polar, at codon 4495 of the KMT2D protein (p.Leu4495Pro).